The following is an entry in ClinVar:

NM_000101.4(CYBA):c.41_42insCCGAGGTCCCG (p.Leu15fs)

Gene: CYBA (cytochrome b-245 alpha chain; minus strand). Cytogenetic location: 16q24.2.
Variant type: Insertion.
Coding change: c.41_42insCCGAGGTCCCG on transcript NM_000101.4 (MANE Select); coding-DNA positions 41 to 42, CCGAGGTCCCG inserted.
Protein change: p.Leu15fs; shifts the reading frame from leucine 15.
Molecular consequence: frameshift variant.
Genome position: GRCh38 VCF-style: chr16-88650972-C-CCGGGACCTCGG. GRCh37 (hg19) VCF-style: chr16-88717380-C-CCGGGACCTCGG.
Other names: short protein forms L15fs.
Identifiers: ClinVar variation 5010672 (VCV005010672.1).

ClinVar aggregate classification (germline): Pathogenic (1 of 4 stars; one submission).

Conditions:
Granulomatous disease, chronic, autosomal recessive, cytochrome b-negative. Also called: CGD DUE TO DEFICIENCY OF THE ALPHA SUBUNIT OF CYTOCHROME b; CGD, AUTOSOMAL RECESSIVE CYTOCHROME b-NEGATIVE; CYBA DEFICIENCY; GRANULOMATOUS DISEASE, CHRONIC, AUTOSOMAL RECESSIVE, 4; Chronic granulomatous disease, autosomal, due to deficiency of CYBA. Identifiers: Orphanet 379, MedGen C1856255, MONDO:0009308, OMIM 233690.

Submission:

Myriad Genetics, Inc.
Classification: Pathogenic for Granulomatous disease, chronic, autosomal recessive, cytochrome b-negative. Last evaluated: 2024-05-14. Review status: criteria provided, single submitter. Criteria: Myriad Autosomal Dominant, Autosomal Recessive and X-Linked Classification Criteria (2023). Collection method: clinical testing. Allele origin: unknown.
Comment: NM_000101.3(CYBA):c.41_42ins11(L15Rfs*9) is expected to be pathogenic in the context of chronic granulomatous disease, CYBA-related. This variant is predicted to lead to an abnormal or absent protein product due to the creation of a premature termination codon in CYBA, a gene where loss-of-function variants are known to be pathogenic. Please note: this variant was assessed in the context of healthy population screening.